The following is an entry in ClinVar:

NM_024408.4(NOTCH2):c.4531G>C (p.Asp1511His)

Gene: NOTCH2 (notch receptor 2; minus strand). Cytogenetic location: 1p12.
Variant type: single nucleotide variant.
Coding change: c.4531G>C on transcript NM_024408.4 (MANE Select); coding-DNA position 4531, G replaced by C.
Protein change: p.Asp1511His; replaces aspartic acid 1511 with histidine.
Molecular consequence: missense variant.
Genome position (GRCh38, 1-based): chr1:119,923,965, C>G on the plus strand (G>C on the coding strand, the complement: NOTCH2 is on the minus strand). VCF-style: chr1-119923965-C-G. GRCh37 (hg19) VCF-style: chr1-120466588-C-G.
Other names: short protein forms D1511H.
Identifiers: ClinVar variation 2910265 (VCV002910265.3), dbSNP rs2101159451, ClinGen allele CA341889235.

ClinVar aggregate classification (germline): Uncertain significance (1 of 4 stars; one submission).

Conditions:
Hajdu-Cheney syndrome (HJCYS). Also called: ACROOSTEOLYSIS WITH OSTEOPOROSIS AND CHANGES IN SKULL AND MANDIBLE; SERPENTINE FIBULA-POLYCYSTIC KIDNEY SYNDROME; Acroosteolysis dominant type. Identifiers: Orphanet 955, MedGen C0917715, MONDO:0007057, OMIM 102500.

Submission:

Labcorp Genetics (formerly Invitae), Labcorp
Classification: Uncertain significance for Hajdu-Cheney syndrome. Last evaluated: 2023-05-22. Review status: criteria provided, single submitter. Criteria: Invitae Variant Classification Sherloc (09022015). Collection method: clinical testing. Allele origin: germline.
Comment: In summary, the available evidence is currently insufficient to determine the role of this variant in disease. Therefore, it has been classified as a Variant of Uncertain Significance. Advanced modeling of protein sequence and biophysical properties (such as structural, functional, and spatial information, amino acid conservation, physicochemical variation, residue mobility, and thermodynamic stability) performed at Invitae indicates that this missense variant is not expected to disrupt NOTCH2 protein function. This variant has not been reported in the literature in individuals affected with NOTCH2-related conditions. This variant is not present in population databases (gnomAD no frequency). This sequence change replaces aspartic acid, which is acidic and polar, with histidine, which is basic and polar, at codon 1511 of the NOTCH2 protein (p.Asp1511His).